The following is an entry in ClinVar:

ClinVar aggregate classification (germline): Likely benign (1 of 4 stars; one submission).

Conditions:
Leigh syndrome (NULS). Also called: Leigh's necrotizing encephalopathy; Leigh's disease; Leigh Syndrome (mtDNA deletion); Leigh Disease; Subacute necrotizing encephalopathy; Necrotizing encephalopathy infantile subacute of Leigh. Identifiers: Orphanet 506, MedGen C2931891, MONDO:0009723, OMIM 256000.

Submission:

Wong Mito Lab, Molecular and Human Genetics, Baylor College of Medicine
Classification: Likely benign for Leigh syndrome. Last evaluated: 2019-10-17. Review status: criteria provided, single submitter. Criteria: Modified ACMG Guidelines (Unpublished). Collection method: clinical testing. Allele origin: germline.
Comment: The NC_012920.1:m.5086C>T (YP_003024027.1:p.Thr206Ile) variant in MTND2 gene is interpretated to be a Likely Benign variant based on the modified ACMG guidelines (unpublished). This variant meets the following evidence codes: BP4, BP6

NC_012920.1(MT-ND2):m.5086C>T

Gene: MT-ND2 (mitochondrially encoded NADH dehydrogenase 2; plus strand).
Variant type: single nucleotide variant.
Genome position: chrM-5086-C-T.
Identifiers: ClinVar variation 692544 (VCV000692544.1), dbSNP rs1603219776, ClinGen allele CA414778822.